The following is an entry in ClinVar:

NM_006950.3(SYN1):c.1144del (p.Asp382fs)

Gene: SYN1 (synapsin I; minus strand). Cytogenetic location: Xp11.3.
Variant type: Deletion.
Coding change: c.1144del on transcript NM_006950.3 (MANE Select); coding-DNA position 1144, one base deleted (G; older notation c.1144delG).
Protein change: p.Asp382fs; shifts the reading frame from aspartic acid 382.
Molecular consequence: frameshift variant.
Genome position (GRCh38, 1-based): chrX:47,576,145, C deleted on the plus strand (G on the coding strand, the reverse complement: SYN1 is on the minus strand); the first of 3 consecutive C bases (chrX:47,576,145-47,576,147); deleting any one gives the same sequence. VCF-style (leftmost placement, unchanged base first): chrX-47576144-TC-T. GRCh37 (hg19) VCF-style: chrX-47435543-TC-T.
Other names: c.1144del, p.Asp382fs (NM_133499.2); short protein forms D382fs.
Identifiers: ClinVar variation 3729491 (VCV003729491.2).
Genomic context (GRCh38, chrX:47,576,144, plus strand): 5'-TGGCATCTGTTCCTCCCTCTACCCCACCTACCCCTGGGTGCTCATACCTCAATGATGTGA[TC>T]CCTTCCGTCCTTGCCATGTAGCGCTTCCACTGCGCAGATGTCCAGTCCCCCAAAAATCTC-3'

ClinVar aggregate classification (germline): Pathogenic (1 of 4 stars; one submission).

Conditions:
Epilepsy, X-linked 1, with variable learning disabilities and behavior disorders. Also called: X-linked epilepsy-learning disabilities-behavior disorders syndrome. Identifiers: Orphanet 85294, MedGen C5774177, MONDO:0010339, OMIM 300491.

Submission:

Labcorp Genetics (formerly Invitae), Labcorp
Classification: Pathogenic for Epilepsy, X-linked 1, with variable learning disabilities and behavior disorders. Last evaluated: 2025-06-03. Review status: criteria provided, single submitter. Criteria: Invitae Variant Classification Sherloc (09022015). Collection method: clinical testing. Allele origin: germline.
Comment: This sequence change creates a premature translational stop signal (p.Asp382Ilefs*26) in the SYN1 gene. It is expected to result in an absent or disrupted protein product. Loss-of-function variants in SYN1 are known to be pathogenic (PMID: 14985377, 21441247). This variant is not present in population databases (gnomAD no frequency). This variant has not been reported in the literature in individuals affected with SYN1-related conditions. ClinVar contains an entry for this variant (Variation ID: 3729491). For these reasons, this variant has been classified as Pathogenic.

Literature cited by the submitters: PubMed 14985377; PubMed 21441247.